The following is an entry in ClinVar:

NM_004004.6(GJB2):c.336G>T (p.Lys112Asn)

Gene: GJB2 (gap junction protein beta 2; minus strand). Cytogenetic location: 13q12.11.
Variant type: single nucleotide variant.
Coding change: c.336G>T on transcript NM_004004.6 (MANE Select); coding-DNA position 336, G replaced by T.
Protein change: p.Lys112Asn; replaces lysine 112 with asparagine.
Molecular consequence: missense variant.
Genome position (GRCh38, 1-based): chr13:20,189,246, C>A on the plus strand (G>T on the coding strand, the complement: GJB2 is on the minus strand). VCF-style: chr13-20189246-C-A. GRCh37 (hg19) VCF-style: chr13-20763385-C-A.
Other names: short protein forms K112N.
Identifiers: ClinVar variation 4689149 (VCV004689149.1).

ClinVar aggregate classification (germline): Uncertain significance (1 of 4 stars; one submission).

Submission:

Women's Health and Genetics/Laboratory Corporation of America, LabCorp
Classification: Uncertain significance. Last evaluated: 2026-01-28. Review status: criteria provided, single submitter. Criteria: LabCorp Variant Classification Summary - May 2015. Collection method: clinical testing. Allele origin: germline.
Comment: Variant summary: GJB2 c.336G>T (p.Lys112Asn) results in a non-conservative amino acid change in the encoded protein sequence. Algorithms developed to predict the effect of missense changes on protein structure and function all suggest that this variant is likely to be disruptive. The variant was absent in 250258 control chromosomes. The available data on variant occurrences in the general population are insufficient to allow any conclusion about variant significance. c.336G>T has been observed in the presumed compound heterozygous state in at least 1 individual(s) affected with Autosomal Recessive Non-Syndromic Hearing Loss (example, Bazazzadegan_2012). These data do not allow any conclusion about variant significance. To our knowledge, no experimental evidence demonstrating an impact on protein function has been reported. The following publications have been ascertained in the context of this evaluation (PMID: 20739942, 22695344, 30708180, 28483220, 36048236, 15666300, 31523594). No submitters have cited clinical-significance assessments for this variant to ClinVar. Based on the evidence outlined above, the variant was classified as uncertain significance.

Literature cited by the submitters: PubMed 15666300; PubMed 22695344; PubMed 28483220; PubMed 36048236; PubMed 20739942; PubMed 31523594; PubMed 30708180.